The following is an entry in ClinVar:

NM_007294.4(BRCA1):c.4636G>C (p.Asp1546His)

Gene: BRCA1 (BRCA1 DNA repair associated; minus strand). Cytogenetic location: 17q21.31.
Variant type: single nucleotide variant.
Coding change: c.4636G>C on transcript NM_007294.4 (MANE Select); coding-DNA position 4636, G replaced by C.
Protein change: p.Asp1546His; replaces aspartic acid 1546 with histidine.
Molecular consequence: missense variant. On other transcripts: non-coding transcript variant (1).
Genome position (GRCh38, 1-based): chr17:43,074,370, C>G on the plus strand (G>C on the coding strand, the complement: BRCA1 is on the minus strand). VCF-style: chr17-43074370-C-G. GRCh37 (hg19) VCF-style: chr17-41226387-C-G.
Other names: c.4633G>C, p.Asp1545His (NM_001407623.1, NM_001407624.1, NM_001407625.1 and 17 more transcripts); c.4630G>C, p.Asp1544His (NM_001407627.1, NM_001407628.1, NM_001407629.1 and 14 more transcripts); c.4627G>C, p.Asp1543His (NM_001407644.1, NM_001407645.1); c.4624G>C, p.Asp1542His (NM_001407646.1); c.4621G>C, p.Asp1541His (NM_001407647.1); c.4579G>C, p.Asp1527His (NM_001407648.1); c.4576G>C, p.Asp1526His (NM_001407649.1); c.4636G>C, p.Asp1546His (NM_001407652.1, NM_001407684.1, NM_001407854.1 and 8 more transcripts); and 68 more; short protein forms D1546H, D1499H, D442H, D1567H, D1417H, D1418H, D1434H, D1457H.
Identifiers: ClinVar variation 479201 (VCV000479201.21), dbSNP rs28897691, ClinGen allele CA052607.

ClinVar aggregate classification (germline): Conflicting classifications of pathogenicity. Review status: criteria provided, conflicting classifications (1 of 4 stars). 4 submissions from 4 submitters: Uncertain significance (3); Likely benign (1). Last evaluated 2024-10-16.

Conditions:
Hereditary breast ovarian cancer syndrome. Also called: Breast and ovarian cancer; Hereditary breast and/or ovarian cancer syndrome; BRCA1- and BRCA2-Associated Hereditary Breast and Ovarian Cancer; Hereditary breast and ovarian cancer syndrome; Hereditary breast and ovarian cancer syndrome (HBOC); Hereditary breast and ovarian cancer. Identifiers: Orphanet 145, MedGen C0677776, MeSH D061325, MONDO:0003582. Disease mechanism: loss of function.
Breast-ovarian cancer, familial, susceptibility to, 1 (BROVCA1). Also called: BRCA1 Hereditary Breast and Ovarian Cancer; OVARIAN CANCER, SUSCEPTIBILITY TO. Identifiers: Orphanet 145, MedGen C2676676, MONDO:0011450, OMIM 604370. Disease mechanism: loss of function.
Hereditary cancer-predisposing syndrome. Also called: Tumor predisposition; Hereditary Cancer Syndrome; Hereditary neoplastic syndrome; Neoplastic Syndromes, Hereditary. Identifiers: Orphanet 140162, MedGen C0027672, MeSH D009386, MONDO:0015356.

gnomAD v4.1: 7 of 1,614,072 alleles (0.00043%); highest among the groups gnomAD compares: South Asian, 0.0066%; no homozygotes.

Submissions (4):

Myriad Genetics, Inc.
Classification: Likely benign for Breast-ovarian cancer, familial, susceptibility to, 1. Last evaluated: 2024-10-16. Review status: criteria provided, single submitter. Criteria: Myriad Autosomal Dominant, Autosomal Recessive and X-Linked Classification Criteria (2023). Collection method: clinical testing. Allele origin: unknown.
Comment: This variant is considered likely benign. This variant is strongly associated with less severe personal and family histories of cancer, typical for individuals without pathogenic variants in this gene [PMID: 25085752].

Ambry Genetics
Classification: Uncertain significance for Hereditary cancer-predisposing syndrome. Last evaluated: 2024-04-08. Review status: criteria provided, single submitter. Criteria: Ambry Variant Classification Scheme 2023. Collection method: clinical testing. Allele origin: germline.
Comment: The p.D1546H variant (also known as c.4636G>C), located in coding exon 13 of the BRCA1 gene, results from a G to C substitution at nucleotide position 4636. The aspartic acid at codon 1546 is replaced by histidine, an amino acid with similar properties. This amino acid position is not well conserved in available vertebrate species. In addition, the in silico prediction for this alteration is inconclusive. Based on the available evidence, the clinical significance of this variant remains unclear.

Labcorp Genetics (formerly Invitae), Labcorp
Classification: Uncertain significance for Hereditary breast ovarian cancer syndrome. Last evaluated: 2023-08-11. Review status: criteria provided, single submitter. Criteria: Invitae Variant Classification Sherloc (09022015). Collection method: clinical testing. Allele origin: germline.
Comment: Advanced modeling of protein sequence and biophysical properties (such as structural, functional, and spatial information, amino acid conservation, physicochemical variation, residue mobility, and thermodynamic stability) performed at Invitae indicates that this missense variant is not expected to disrupt BRCA1 protein function. This sequence change replaces aspartic acid, which is acidic and polar, with histidine, which is basic and polar, at codon 1546 of the BRCA1 protein (p.Asp1546His). This variant is present in population databases (rs28897691, gnomAD 0.01%). This variant has not been reported in the literature in individuals affected with BRCA1-related conditions. ClinVar contains an entry for this variant (Variation ID: 479201). In summary, the available evidence is currently insufficient to determine the role of this variant in disease. Therefore, it has been classified as a Variant of Uncertain Significance.

Color Diagnostics, LLC DBA Color Health
Classification: Uncertain significance for Hereditary cancer-predisposing syndrome. Last evaluated: 2023-07-06. Review status: criteria provided, single submitter. Criteria: ACMG Guidelines, 2015. Collection method: clinical testing. Allele origin: germline.
Comment: This missense variant replaces aspartic acid with histidine at codon 1546 of the BRCA1 protein. Computational prediction is inconclusive regarding the impact of this variant on protein structure and function (internally defined REVEL score threshold 0.5 < inconclusive < 0.7, PMID: 27666373). To our knowledge, functional studies have not been reported for this variant. This variant has not been reported in individuals affected with BRCA1-related disorders in the literature. This variant has been identified in 5/251318 chromosomes in the general population by the Genome Aggregation Database (gnomAD). The available evidence is insufficient to determine the role of this variant in disease conclusively. Therefore, this variant is classified as a Variant of Uncertain Significance.

Literature cited by the submitters: PubMed 25085752 (cited by Myriad Genetics, Inc.).